The following is an entry in ClinVar:

NM_000338.3(SLC12A1):c.2294A>G (p.Gln765Arg)

Gene: SLC12A1 (solute carrier family 12 member 1; plus strand). Cytogenetic location: 15q21.1.
Variant type: single nucleotide variant.
Coding change: c.2294A>G on transcript NM_000338.3 (MANE Select); coding-DNA position 2294, A replaced by G.
Protein change: p.Gln765Arg; replaces glutamine 765 with arginine.
Molecular consequence: missense variant.
Genome position (GRCh38, 1-based): chr15:48,267,700, A>G. VCF-style: chr15-48267700-A-G. GRCh37 (hg19) VCF-style: chr15-48559897-A-G.
Other names: c.2294A>G, p.Gln765Arg (NM_001184832.2, NM_001384136.1); short protein forms Q765R.
Identifiers: ClinVar variation 1480973 (VCV001480973.6), dbSNP rs536897804, ClinGen allele CA7547341.

ClinVar aggregate classification (germline): Uncertain significance (1 of 4 stars; one submission).

Allele frequency attached by ClinVar (database versions not stated): 1000 Genomes Project 0.00020; gnomAD exomes below 0.00001; ExAC 0.00001; 1000 Genomes Project 30x 0.00016.
gnomAD v4.1: 1 of 1,613,206 alleles (0.000062%); highest among the groups gnomAD compares: African/African-American, 0.0013%; no homozygotes.

Submission:

Labcorp Genetics (formerly Invitae), Labcorp
Classification: Uncertain significance. Last evaluated: 2026-01-05. Review status: criteria provided, single submitter. Criteria: Invitae Variant Classification Sherloc (09022015). Collection method: clinical testing. Allele origin: germline.
Comment: This sequence change replaces glutamine, which is neutral and polar, with arginine, which is basic and polar, at codon 765 of the SLC12A1 protein (p.Gln765Arg). This variant is present in population databases (rs536897804, gnomAD 0.007%). This variant has not been reported in the literature in individuals affected with SLC12A1-related conditions. ClinVar contains an entry for this variant (Variation ID: 1480973). Invitae Evidence Modeling of protein sequence and biophysical properties (such as structural, functional, and spatial information, amino acid conservation, physicochemical variation, residue mobility, and thermodynamic stability) has been performed for this missense variant. However, the output from this modeling did not meet the statistical confidence thresholds required to predict the impact of this variant on SLC12A1 protein function. In summary, the available evidence is currently insufficient to determine the role of this variant in disease. Therefore, it has been classified as a Variant of Uncertain Significance.